The following is an entry in ClinVar:

ClinVar aggregate classification (germline): Conflicting classifications of pathogenicity. Review status: criteria provided, conflicting classifications (1 of 4 stars). 2 submissions from 2 submitters: Uncertain significance (1); Likely benign (1). Last evaluated 2026-08-08.

Conditions:
Hereditary cancer-predisposing syndrome. Also called: Hereditary neoplastic syndrome; Neoplastic Syndromes, Hereditary; Tumor predisposition; Hereditary Cancer Syndrome. Identifiers: Orphanet 140162, MedGen C0027672, MeSH D009386, MONDO:0015356.
Familial adenomatous polyposis 2. Also called: COLORECTAL ADENOMATOUS POLYPOSIS, AUTOSOMAL RECESSIVE; ADENOMAS, MULTIPLE COLORECTAL, AUTOSOMAL RECESSIVE; MUTYH-related attenuated familial adenomatous polyposis; MYH-associated polyposis; Adenomas, multiple colorectal; FAP type 2. Identifiers: Orphanet 220460, Orphanet 247798, MedGen C3272841, MONDO:0012041, OMIM 608456.

Allele frequency attached by ClinVar (database versions not stated): gnomAD exomes below 0.00001; TOPMed 0.00001.
gnomAD v4.1: 3 of 1,614,150 alleles (0.00019%); highest among the groups gnomAD compares: African/African-American, 0.0027%; no homozygotes.

Submissions (2):

Ambry Genetics
Classification: Likely benign for Hereditary cancer-predisposing syndrome. Last evaluated: 2026-08-08. Review status: criteria provided, single submitter. Criteria: Ambry Variant Classification Scheme 2023. Collection method: clinical testing. Allele origin: germline.

Labcorp Genetics (formerly Invitae), Labcorp
Classification: Uncertain significance for Familial adenomatous polyposis 2. Last evaluated: 2022-03-18. Review status: criteria provided, single submitter. Criteria: Invitae Variant Classification Sherloc (09022015). Collection method: clinical testing. Allele origin: germline.
Comment: In summary, the available evidence is currently insufficient to determine the role of this variant in disease. Therefore, it has been classified as a Variant of Uncertain Significance. Algorithms developed to predict the effect of missense changes on protein structure and function output the following: SIFT: "Tolerated"; PolyPhen-2: "Benign"; Align-GVGD: "Class C0". The asparagine amino acid residue is found in multiple mammalian species, which suggests that this missense change does not adversely affect protein function. This sequence change replaces serine, which is neutral and polar, with asparagine, which is neutral and polar, at codon 518 of the MUTYH protein (p.Ser518Asn). This variant is present in population databases (no rsID available, gnomAD 0.007%). This variant has not been reported in the literature in individuals affected with MUTYH-related conditions.

NM_001048174.2(MUTYH):c.1469G>A (p.Ser490Asn)

Gene: MUTYH (mutY DNA glycosylase; minus strand). Cytogenetic location: 1p34.1.
Variant type: single nucleotide variant.
Coding change: c.1469G>A on transcript NM_001048174.2 (MANE Select); coding-DNA position 1469, G replaced by A.
Protein change: p.Ser490Asn; replaces serine 490 with asparagine.
Molecular consequence: missense variant. On other transcripts: non-coding transcript variant (2).
Genome position (GRCh38, 1-based): chr1:45,329,403, C>T on the plus strand (G>A on the coding strand, the complement: MUTYH is on the minus strand). VCF-style: chr1-45329403-C-T. GRCh37 (hg19) VCF-style: chr1-45795075-C-T.
Other names: c.1472G>A, p.Ser491Asn (NM_001407071.1, NM_001407078.1, NM_001048172.2 and 1 more transcripts); c.1469G>A, p.Ser490Asn (NM_001407072.1, NM_001407073.1, NM_001407081.1 and 6 more transcripts); c.1385G>A, p.Ser462Asn (NM_001407075.1); c.1502G>A, p.Ser501Asn (NM_001407077.1, NM_001293191.2, NM_001407069.1); c.1430G>A, p.Ser477Asn (NM_001407079.1); c.1427G>A, p.Ser476Asn (NM_001407080.1); c.1124G>A, p.Ser375Asn (NM_001407082.1, NM_001350650.2, NM_001350651.2); c.1553G>A, p.Ser518Asn (NM_001128425.2); and 5 more; short protein forms S505N, S398N, S490N, S462N, S476N, S477N, S501N, S504N.
Identifiers: ClinVar variation 2040099 (VCV002040099.5), dbSNP rs1196038451, ClinGen allele CA340131832.
Genomic context (GRCh38, chr1:45,329,403, plus strand): 5'-GAGATGTGAGACCGAAAGAAATTATCCAGGACTTGCTGGCCCATGCGGGGCTTTTTCCGA[C>T]TGCACGGAGAGGACACCTGGGACCTTTTGGAACCCTGTGAAAAAATGGAAGGAGGGAGGC-3'
Protein context (NP_001041639.1, residues 480-500): SKRSQVSSPC[Ser490Asn]RKKPRMGQQV